The following is an entry in ClinVar:

NM_001201543.2(FAM161A):c.2108A>G (p.Asn703Ser)

Gene: FAM161A (FAM161 centrosomal protein A; minus strand). Cytogenetic location: 2p15.
Variant type: single nucleotide variant.
Coding change: c.2108A>G on transcript NM_001201543.2 (MANE Select); coding-DNA position 2108, A replaced by G.
Protein change: p.Asn703Ser; replaces asparagine 703 with serine.
Molecular consequence: missense variant. On other transcripts: non-coding transcript variant (1).
Genome position (GRCh38, 1-based): chr2:61,826,498, T>C on the plus strand (A>G on the coding strand, the complement: FAM161A is on the minus strand). VCF-style: chr2-61826498-T-C. GRCh37 (hg19) VCF-style: chr2-62053633-T-C.
Other names: c.1940A>G, p.Asn647Ser (NM_032180.3); short protein forms N647S, N703S.
Identifiers: ClinVar variation 2150589 (VCV002150589.3), dbSNP rs376530799, ClinGen allele CA1678944.

ClinVar aggregate classification (germline): Uncertain significance (1 of 4 stars; one submission).

Allele frequency attached by ClinVar (database versions not stated): gnomAD 0.00001; gnomAD exomes 0.00002; TOPMed 0.00002; ExAC 0.00003; ESP Exome Variant Server 0.00008.

Submission:

Labcorp Genetics (formerly Invitae), Labcorp
Classification: Uncertain significance. Last evaluated: 2024-11-05. Review status: criteria provided, single submitter. Criteria: Invitae Variant Classification Sherloc (09022015). Collection method: clinical testing. Allele origin: germline.
Comment: This sequence change replaces asparagine, which is neutral and polar, with serine, which is neutral and polar, at codon 703 of the FAM161A protein (p.Asn703Ser). This variant is present in population databases (rs376530799, gnomAD 0.02%). This variant has not been reported in the literature in individuals affected with FAM161A-related conditions. ClinVar contains an entry for this variant (Variation ID: 2150589). An algorithm developed to predict the effect of missense changes on protein structure and function outputs the following: PolyPhen-2: "Not Available". The serine amino acid residue is found in multiple mammalian species, which suggests that this missense change does not adversely affect protein function. In summary, the available evidence is currently insufficient to determine the role of this variant in disease. Therefore, it has been classified as a Variant of Uncertain Significance.